The following is an entry in ClinVar:

ClinVar aggregate classification (germline): Uncertain significance (1 of 4 stars; one submission).

Conditions:
Amyotrophic lateral sclerosis type 4 (ALS4). Also called: AMYOTROPHIC LATERAL SCLEROSIS 4, JUVENILE; NEURONOPATHY, DISTAL HEREDITARY MOTOR, WITH PYRAMIDAL FEATURES. Identifiers: Orphanet 357043, MedGen C1865409, MONDO:0011223, OMIM 602433.
Spinocerebellar ataxia, autosomal recessive, with axonal neuropathy 2 (SCAN2). Also called: Ataxia with Oculomotor Apraxia; Ataxia with Oculomotor Apraxia Type 2; Ataxia-ocular apraxia-2; ATAXIA-OCULOMOTOR APRAXIA 2. Identifiers: Orphanet 64753, MedGen C1853761, MONDO:0018996, OMIM 606002.

Allele frequency attached by ClinVar (database versions not stated): gnomAD 0.00001; gnomAD exomes 0.00001; TOPMed 0.00001.
gnomAD v4.1: 14 of 1,613,920 alleles (0.00087%); highest among the groups gnomAD compares: Non-Finnish European, 0.0012%; no homozygotes.

Submission:

Labcorp Genetics (formerly Invitae), Labcorp
Classification: Uncertain significance for Amyotrophic lateral sclerosis type 4; Spinocerebellar ataxia, autosomal recessive, with axonal neuropathy 2. Last evaluated: 2022-05-04. Review status: criteria provided, single submitter. Criteria: Invitae Variant Classification Sherloc (09022015). Collection method: clinical testing. Allele origin: germline.
Comment: This variant is not present in population databases (gnomAD no frequency). In summary, the available evidence is currently insufficient to determine the role of this variant in disease. Therefore, it has been classified as a Variant of Uncertain Significance. Advanced modeling of protein sequence and biophysical properties (such as structural, functional, and spatial information, amino acid conservation, physicochemical variation, residue mobility, and thermodynamic stability) performed at Invitae indicates that this missense variant is not expected to disrupt SETX protein function. This variant has not been reported in the literature in individuals affected with SETX-related conditions. This sequence change replaces isoleucine, which is neutral and non-polar, with threonine, which is neutral and polar, at codon 614 of the SETX protein (p.Ile614Thr).

NM_015046.7(SETX):c.1841T>C (p.Ile614Thr)

Gene: SETX (senataxin; minus strand). Cytogenetic location: 9q34.13.
Variant type: single nucleotide variant.
Coding change: c.1841T>C on transcript NM_015046.7 (MANE Select); coding-DNA position 1841, T replaced by C.
Protein change: p.Ile614Thr; replaces isoleucine 614 with threonine.
Molecular consequence: missense variant.
Genome position (GRCh38, 1-based): chr9:132,329,757, A>G on the plus strand (T>C on the coding strand, the complement: SETX is on the minus strand). VCF-style: chr9-132329757-A-G. GRCh37 (hg19) VCF-style: chr9-135205144-A-G.
Other names: c.1841T>C, p.Ile614Thr (NM_001351527.2, NM_001351528.2); short protein forms I614T.
Identifiers: ClinVar variation 2201365 (VCV002201365.4), dbSNP rs1461112699, ClinGen allele CA375338359.